The following is an entry in ClinVar:

NM_015375.3(DSTYK):c.461G>A (p.Arg154His)

Gene: DSTYK (dual serine/threonine and tyrosine protein kinase; minus strand). Cytogenetic location: 1q32.1.
Variant type: single nucleotide variant.
Coding change: c.461G>A on transcript NM_015375.3 (MANE Select); coding-DNA position 461, G replaced by A.
Protein change: p.Arg154His; replaces arginine 154 with histidine.
Molecular consequence: missense variant.
Genome position (GRCh38, 1-based): chr1:205,187,611, C>T on the plus strand (G>A on the coding strand, the complement: DSTYK is on the minus strand). VCF-style: chr1-205187611-C-T. GRCh37 (hg19) VCF-style: chr1-205156739-C-T.
Other names: c.461G>A, p.Arg154His (NM_199462.3); short protein forms R154H.
Identifiers: ClinVar variation 709715 (VCV000709715.12), dbSNP rs141159612, ClinGen allele CA1353032.

ClinVar aggregate classification (germline): Likely benign. Review status: criteria provided, single submitter (1 of 4 stars). 2 submissions from 2 submitters: Likely benign (1). 1 of the submissions does not count toward it. Last evaluated 2026-01-06.

Conditions:
DSTYK-related disorder. Also called: DSTYK-related condition.

Allele frequency attached by ClinVar (database versions not stated): 1000 Genomes Project 0.00060; 1000 Genomes Project 30x 0.00062; gnomAD 0.00101 and 0.00108; TOPMed 0.00113; ESP Exome Variant Server 0.00131.
gnomAD v4.1: 272 of 1,614,116 alleles (0.017%); highest among the groups gnomAD compares: African/African-American, 0.31%; 2 homozygotes.

Submissions (2):

Labcorp Genetics (formerly Invitae), Labcorp
Classification: Likely benign. Last evaluated: 2026-01-06. Review status: criteria provided, single submitter. Criteria: Invitae Variant Classification Sherloc (09022015). Collection method: clinical testing. Allele origin: germline.

PreventionGenetics, part of Exact Sciences
Classification: Likely benign for DSTYK-related condition. Last evaluated: 2022-03-01. Review status: no assertion criteria provided. Collection method: clinical testing. Allele origin: germline. Not counted in ClinVar's aggregate classification.
Comment: This variant is classified as likely benign based on ACMG/AMP sequence variant interpretation guidelines (Richards et al. 2015 PMID: 25741868, with internal and published modifications).